The following is an entry in ClinVar:

NM_177402.5(SYT2):c.140T>C (p.Leu47Pro)

Gene: SYT2 (synaptotagmin 2; minus strand). Cytogenetic location: 1q32.1.
Variant type: single nucleotide variant.
Coding change: c.140T>C on transcript NM_177402.5 (MANE Select); coding-DNA position 140, T replaced by C.
Protein change: p.Leu47Pro; replaces leucine 47 with proline.
Molecular consequence: missense variant.
Genome position (GRCh38, 1-based): chr1:202,605,633, A>G on the plus strand (T>C on the coding strand, the complement: SYT2 is on the minus strand). VCF-style: chr1-202605633-A-G. GRCh37 (hg19) VCF-style: chr1-202574761-A-G.
Other names: c.140T>C, p.Leu47Pro (NM_001136504.1); short protein forms L47P.
Identifiers: ClinVar variation 1704062 (VCV001704062.2), dbSNP rs2526996303, ClinGen allele CA344259643.

ClinVar aggregate classification (germline): Uncertain significance (1 of 4 stars; one submission).

Submission:

GeneDx
Classification: Uncertain significance. Last evaluated: 2022-03-03. Review status: criteria provided, single submitter. Criteria: GeneDx Variant Classification Process June 2021. Collection method: clinical testing. Allele origin: germline. Affected: yes.
Comment: Not observed at significant frequency in large population cohorts (gnomAD); In silico analysis supports that this missense variant does not alter protein structure/function; Has not been previously published as pathogenic or benign to our knowledge